The following is an entry in ClinVar:

NM_005445.4(SMC3):c.3179_3181del (p.Gly1060del)

Gene: SMC3 (structural maintenance of chromosomes 3; plus strand). Cytogenetic location: 10q25.2.
Variant type: Deletion.
Coding change: c.3179_3181del on transcript NM_005445.4 (MANE Select); coding-DNA positions 3179 to 3181, 3 bases deleted (GAG; older notation c.3179_3181delGAG).
Protein change: p.Gly1060del; deletes glycine 1060.
Molecular consequence: inframe deletion. On other transcripts: inframe indel (1).
Genome position (GRCh38, 1-based): chr10:110,602,547-110,602,549, GAG deleted; deleting any 3 consecutive bases within chr10:110,602,545-110,602,549 gives the same sequence; the c. name uses the placement nearest the transcript's 3' end. VCF-style (leftmost placement, unchanged base first): chr10-110602544-AAGG-A. GRCh37 (hg19) VCF-style: chr10-112362302-AAGG-A.
Other names: c.3179_3181delGAG, p.Gly1060del (NM_005445.3); short protein forms G1060del.
Identifiers: ClinVar variation 4976116 (VCV004976116.1).
Genomic context (GRCh38, chr10:110,602,544, plus strand): 5'-ACTTCAGTGAAGTATTCCAGAAGTTAGTACCTGGTGGCAAAGCTACTTTGGTGATGAAGA[AAGG>A]AGATGTGGAGGGCAGTCAGTCTCAAGATGAAGGAGAAGGGAGTGGTGAGAGTGAGAGGGG-3'

ClinVar aggregate classification (germline): Uncertain significance (1 of 4 stars; one submission).

Submission:

GeneDx
Classification: Uncertain significance. Last evaluated: 2026-02-03. Review status: criteria provided, single submitter. Criteria: GeneDx Variant Classification Process June 2021. Collection method: clinical testing. Allele origin: germline.
Comment: In-frame deletion of 1 amino acid(s) in a non-repeat region; Not observed at significant frequency in large population cohorts (gnomAD); In silico analysis supports a deleterious effect on protein structure/function; Has not been previously published as pathogenic or benign to our knowledge